The following is an entry in ClinVar:

ClinVar aggregate classification (germline): Uncertain significance. Review status: criteria provided, multiple submitters, no conflicts (2 of 4 stars). 5 submissions from 5 submitters: Uncertain significance (5). Last evaluated 2026-08-01.

Allele frequency attached by ClinVar (database versions not stated): ExAC 0.00004; gnomAD exomes 0.00004 and 0.00011; gnomAD 0.00006; TOPMed 0.00007; ESP Exome Variant Server 0.00031.
gnomAD v4.1: 163 of 1,614,058 alleles (0.01%); highest among the groups gnomAD compares: Non-Finnish European, 0.013%; no homozygotes.

Submissions (5):

CeGaT Center for Human Genetics Tuebingen
Classification: Uncertain significance. Last evaluated: 2026-08-01. Review status: criteria provided, single submitter. Criteria: CeGaT Center For Human Genetics Tuebingen Variant Classification Criteria Version 2. Collection method: clinical testing. Allele origin: germline. Affected: yes. Observed: 2 variant alleles.
Comment: FBLN5: PM2, PP3

Labcorp Genetics (formerly Invitae), Labcorp
Classification: Uncertain significance. Last evaluated: 2025-09-22. Review status: criteria provided, single submitter. Criteria: Invitae Variant Classification Sherloc (09022015). Collection method: clinical testing. Allele origin: germline.
Comment: This sequence change replaces isoleucine, which is neutral and non-polar, with valine, which is neutral and non-polar, at codon 365 of the FBLN5 protein (p.Ile365Val). This variant is present in population databases (rs140452924, gnomAD 0.007%). This missense change has been observed in individual(s) with FBLN5-related conditions (PMID: 29555955). ClinVar contains an entry for this variant (Variation ID: 1194964). Invitae Evidence Modeling of protein sequence and biophysical properties (such as structural, functional, and spatial information, amino acid conservation, physicochemical variation, residue mobility, and thermodynamic stability) indicates that this missense variant is not expected to disrupt FBLN5 protein function with a negative predictive value of 80%. In summary, the available evidence is currently insufficient to determine the role of this variant in disease. Therefore, it has been classified as a Variant of Uncertain Significance.

Women's Health and Genetics/Laboratory Corporation of America, LabCorp
Classification: Uncertain significance. Last evaluated: 2025-01-14. Review status: criteria provided, single submitter. Criteria: LabCorp Variant Classification Summary - May 2015. Collection method: clinical testing. Allele origin: germline.
Comment: Variant summary: FBLN5 c.1093A>G (p.Ile365Val) results in a conservative amino acid change located in the Fibulin, C-terminal Ig-like domain (IPR055088) of the encoded protein sequence. Three of five in-silico tools predict a damaging effect of the variant on protein function. The variant allele was found at a frequency of 4e-05 in 251460 control chromosomes (gnomAD). This frequency is not significantly higher than estimated for a pathogenic variant in FBLN5 causing Cutis laxa, autosomal recessive, type 1A (4e-05 vs 0.0011), allowing no conclusion about variant significance. c.1093A>G has been reported in the literature in individuals affected with macular and cone/cone-rod dystrophy (Birtel_2018). The report does not provide unequivocal conclusions about association of the variant with Cutis laxa, autosomal recessive, type 1A. To our knowledge, no experimental evidence demonstrating an impact on protein function has been reported. The following publication have been ascertained in the context of this evaluation (PMID: 29555955). ClinVar contains an entry for this variant (Variation ID: 1194964). Based on the evidence outlined above, the variant was classified as uncertain significance.

Blueprint Genetics
Classification: Uncertain significance. Last evaluated: 2023-04-11. Review status: criteria provided, single submitter. Criteria: ACMG Guidelines, 2015. Collection method: clinical testing. Allele origin: germline.

GeneDx
Classification: Uncertain significance. Last evaluated: 2020-11-13. Review status: criteria provided, single submitter. Criteria: GeneDx Variant Classification Process June 2021. Collection method: clinical testing. Allele origin: germline. Affected: yes.
Comment: Has not been previously reported as pathogenic or benign in association with connective tissue disorders to our knowledge; In silico analysis, which includes protein predictors and evolutionary conservation, supports that this variant does not alter protein structure/function; This variant is associated with the following publications: (PMID: 29555955)

Literature cited by the submitters: PubMed 29555955 (cited by Labcorp Genetics (formerly Invitae), Labcorp and Women's Health and Genetics/Laboratory Corporation of America, LabCorp).

NM_006329.4(FBLN5):c.1093A>G (p.Ile365Val)

Gene: FBLN5 (fibulin 5; minus strand). Cytogenetic location: 14q32.12.
Variant type: single nucleotide variant.
Coding change: c.1093A>G on transcript NM_006329.4 (MANE Select); coding-DNA position 1093, A replaced by G.
Protein change: p.Ile365Val; replaces isoleucine 365 with valine.
Molecular consequence: missense variant.
Genome position (GRCh38, 1-based): chr14:91,877,579, T>C on the plus strand (A>G on the coding strand, the complement: FBLN5 is on the minus strand). VCF-style: chr14-91877579-T-C. GRCh37 (hg19) VCF-style: chr14-92343923-T-C.
Other names: c.1216A>G, p.Ile406Val (NM_001384158.1); c.1144A>G, p.Ile382Val (NM_001384159.1); c.1093A>G, p.Ile365Val (NM_001384160.1); c.925A>G, p.Ile309Val (NM_001384161.1, NM_001384162.1); short protein forms I309V, I365V, I382V, I406V.
Identifiers: ClinVar variation 1194964 (VCV001194964.45), dbSNP rs140452924, ClinGen allele CA7312620.
Genomic context (GRCh38, chr14:91,877,579, plus strand): 5'-ATTTGATCTGGAAAATGTAATAGGCCCCAGGGTAGCGGGTCGTGGCTTGCATTTGGAAGA[T>C]GTCAGCGGGAACGGAGCGTCCTGACACCACGTCCATGTCCCGGTACAAGATGGTAAAGGG-3'
Protein context (NP_006320.2, residues 355-375): VVSGRSVPAD[Ile365Val]FQMQATTRYP